The following is an entry in ClinVar:

ClinVar aggregate classification (germline): Likely pathogenic (1 of 4 stars; one submission).

Allele frequency attached by ClinVar (database versions not stated): TOPMed below 0.00001; gnomAD 0.00001.
gnomAD v4.1: 1 of 1,613,950 alleles (0.000062%); highest among the groups gnomAD compares: Non-Finnish European, 0.000085%; no homozygotes.

Submission:

GeneDx
Classification: Likely pathogenic. Last evaluated: 2013-02-27. Review status: criteria provided, single submitter. Criteria: GeneDx Variant Classification (06012015). Collection method: clinical testing. Allele origin: germline. Affected: yes.
Comment: p.Ser282Asn (AGT>AAT): c.845 G>A in exon 7 of the TPP1 gene (NM_000391.3)The Ser282Asn missense change has not been published as a mutation, nor has it been reported as a benign polymorphism to our knowledge. It was not observed in approximately 6,500 individuals of European and African American ancestry in the NHLBI Exome Sequencing Project or among the various ethnic groups studied in the 1000 Genomes Project, indicating it is not a common benign variant in these populations. The amino acid substitution is conservative, as both Serine and Asparagine are both uncharged, non-polar amino acids. However, it alters a highly conserved position in the protein, and many missense mutations have been reported at nearby codons. Additionally, multiple in silico algorithms predict Ser282Asn may be damaging to protein structure/function. Therefore, based on the currently available information, Ser282Asn is a strong candidate for a disease-causing mutation, although the possibility that it is a benign variant cannot be excluded. The variant is found in CHILD-EPI panel(s).

NM_000391.4(TPP1):c.845G>A (p.Ser282Asn)

Gene: TPP1 (tripeptidyl peptidase 1; minus strand). Cytogenetic location: 11p15.4.
Variant type: single nucleotide variant.
Coding change: c.845G>A on transcript NM_000391.4 (MANE Select); coding-DNA position 845, G replaced by A.
Protein change: p.Ser282Asn; replaces serine 282 with asparagine.
Molecular consequence: missense variant.
Genome position (GRCh38, 1-based): chr11:6,616,702, C>T on the plus strand (G>A on the coding strand, the complement: TPP1 is on the minus strand). VCF-style: chr11-6616702-C-T. GRCh37 (hg19) VCF-style: chr11-6637933-C-T.
Other names: p.S282N:AGT>AAT; short protein forms S282N.
Identifiers: ClinVar variation 207583 (VCV000207583.2), dbSNP rs796053440, ClinGen allele CA319192.